The following is an entry in ClinVar:

NM_021083.4(XK):c.1168A>G (p.Arg390Gly)

Gene: XK (X-linked Kx blood group antigen, Kell and VPS13A binding protein; plus strand). Cytogenetic location: Xp21.1.
Variant type: single nucleotide variant.
Coding change: c.1168A>G on transcript NM_021083.4 (MANE Select); coding-DNA position 1168, A replaced by G.
Protein change: p.Arg390Gly; replaces arginine 390 with glycine.
Molecular consequence: missense variant.
Genome position (GRCh38, 1-based): chrX:37,728,295, A>G. VCF-style: chrX-37728295-A-G. GRCh37 (hg19) VCF-style: chrX-37587548-A-G.
Other names: short protein forms R390G.
Identifiers: ClinVar variation 4076331 (VCV004076331.1).

ClinVar aggregate classification (germline): Uncertain significance (1 of 4 stars; one submission).

Conditions:
XK-related neurodegenerative disease. Also called: NEUROACANTHOCYTOSIS, MCLEOD TYPE; MCLEOD PHENOTYPE; MCLEOD SYNDROME; McLeod neuroacanthocytosis syndrome; X-linked McLeod syndrome. Identifiers: Orphanet 59306, MedGen C0398568, MONDO:0018945, OMIM 300842. Disease mechanism: loss of function.

Submission:

Laboratorio de Genetica e Diagnostico Molecular, Hospital Israelita Albert Einstein
Classification: Uncertain significance for XK-related neurodegenerative disease. Last evaluated: 2023-03-24. Review status: criteria provided, single submitter. Criteria: ACMG Guidelines, 2015. Collection method: clinical testing. Allele origin: germline. Affected: yes.
Comment: ACMG classification criteria: PM2 moderate, BP4 supporting